The following is an entry in ClinVar:

ClinVar aggregate classification (germline): Uncertain significance (1 of 4 stars; one submission).

Conditions:
Pityriasis rubra pilaris (PRP). Also called: Pityriasis rubra pilaris--familial type. Identifiers: Orphanet 2897, MedGen C0032027, MONDO:0100017, OMIM 173200, MONDO:0008251.
Psoriasis 2. Identifiers: MedGen C1864497, MONDO:0011269, OMIM 602723.

Submission:

Labcorp Genetics (formerly Invitae), Labcorp
Classification: Uncertain significance for Pityriasis rubra pilaris; Psoriasis 2. Last evaluated: 2025-07-02. Review status: criteria provided, single submitter. Criteria: Invitae Variant Classification Sherloc (09022015). Collection method: clinical testing. Allele origin: germline.
Comment: This sequence change affects an acceptor splice site in intron 3 of the CARD14 gene. It is expected to disrupt RNA splicing. Variants that disrupt the donor or acceptor splice site typically lead to a loss of protein function (PMID: 16199547), however the current clinical and genetic evidence is not sufficient to establish whether loss-of-function variants in CARD14 cause disease. This variant is not present in population databases (gnomAD no frequency). This variant has not been reported in the literature in individuals affected with CARD14-related conditions. Algorithms developed to predict the effect of sequence changes on RNA splicing suggest that this variant may disrupt the consensus splice site. In summary, the available evidence is currently insufficient to determine the role of this variant in disease. Therefore, it has been classified as a Variant of Uncertain Significance.

Literature cited by the submitters: PubMed 16199547.

NM_001366385.1(CARD14):c.350-1G>C

Gene: CARD14 (caspase recruitment domain family member 14; plus strand). Cytogenetic location: 17q25.3.
Variant type: single nucleotide variant.
Coding change: c.350-1G>C on transcript NM_001366385.1 (MANE Select); the canonical splice acceptor site of the intron before coding-DNA position 350, G replaced by C.
Molecular consequence: splice acceptor variant.
Genome position (GRCh38, 1-based): chr17:80,183,912, G>C. VCF-style: chr17-80183912-G-C. GRCh37 (hg19) VCF-style: chr17-78157711-G-C.
Other names: c.350-1G>C (NM_024110.4, NM_001257970.1).
Identifiers: ClinVar variation 4785465 (VCV004785465.1).